The following is an entry in ClinVar:

NM_000517.4(HBA2):c.80C>T (p.Ala27Val)

Genes: HBA2 (hemoglobin subunit alpha 2; plus strand), LOC106804612 (hemoglobin subunit alpha 2 recombination region; plus strand). Cytogenetic location: 16p13.3.
Variant type: single nucleotide variant.
Coding change: c.80C>T on transcript NM_000517.4; coding-DNA position 80, C replaced by T.
Protein change: p.Ala27Val; replaces alanine 27 with valine.
Molecular consequence: missense variant (on NM_000517.6).
Genome position (GRCh38, 1-based): chr16:172,992, C>T. VCF-style: chr16-172992-C-T. GRCh37 (hg19) VCF-style: chr16-222991-C-T.
Other names: A26V; c.80C>T, p.Ala27Val (NM_000517.6); short protein forms A27V.
Identifiers: ClinVar variation 15666 (VCV000015666.3), dbSNP rs281864822, ClinGen allele CA125620.

ClinVar aggregate classification (germline): Uncertain significance. Review status: criteria provided, single submitter (1 of 4 stars). 2 submissions from 2 submitters: Uncertain significance (1). 1 of the submissions does not count toward it. Last evaluated 2025-01-07.

Conditions:
HEMOGLOBIN CAMPINAS.

Allele frequency attached by ClinVar (database versions not stated): gnomAD exomes 0.00001 and 0.00002; gnomAD 0.00014.
gnomAD v4.1: 11 of 436,678 alleles (0.0025%); highest among the groups gnomAD compares: Admixed American, 0.03%; no homozygotes.

Submissions (2):

Quest Diagnostics Nichols Institute San Juan Capistrano
Classification: Uncertain significance. Last evaluated: 2025-01-07. Review status: criteria provided, single submitter. Criteria: Quest Diagnostics criteria. Collection method: clinical testing. Allele origin: unknown.
Comment: The frequency of this variant in the general population (Genome Aggregation Database) is uninformative in the assessment of its pathogenicity. Analysis of this variant using bioinformatics tools for the prediction of the effect of amino acid changes on protein structure and function yielded conflicting predictions that this variant is deleterious or benign. Based on the available information, we are unable to determine the clinical significance of this variant.

OMIM
Classification: other for HEMOGLOBIN CAMPINAS. Last evaluated: 2018-05-21. Review status: no assertion criteria provided. Collection method: literature only. Allele origin: germline. Not counted in ClinVar's aggregate classification.

Literature cited by the submitters: PubMed 10870886 (cited by Quest Diagnostics Nichols Institute San Juan Capistrano and OMIM); PubMed 14576901 (cited by Quest Diagnostics Nichols Institute San Juan Capistrano); PubMed 31553106 (cited by Quest Diagnostics Nichols Institute San Juan Capistrano).